The following is an entry in ClinVar:

NM_015338.6(ASXL1):c.599G>T (p.Gly200Val)

Gene: ASXL1 (ASXL transcriptional regulator 1; plus strand). Cytogenetic location: 20q11.21.
Variant type: single nucleotide variant.
Coding change: c.599G>T on transcript NM_015338.6 (MANE Select); coding-DNA position 599, G replaced by T.
Protein change: p.Gly200Val; replaces glycine 200 with valine.
Molecular consequence: missense variant. On other transcripts: intron variant (1).
Genome position (GRCh38, 1-based): chr20:32,429,934, G>T. VCF-style: chr20-32429934-G-T. GRCh37 (hg19) VCF-style: chr20-31017737-G-T.
Other names: c.535+503G>T (NM_001363734.1); short protein forms G200V.
Identifiers: ClinVar variation 4588890 (VCV004588890.1).

ClinVar aggregate classification (germline): Uncertain significance (1 of 4 stars; one submission).

Conditions:
Inborn genetic diseases. Identifiers: MedGen C0950123, MeSH D030342.

gnomAD v4.1: 2 of 1,608,156 alleles (0.00012%); highest among the groups gnomAD compares: Non-Finnish European, 0.00017%; no homozygotes.

Submission:

Ambry Genetics
Classification: Uncertain significance for Inborn genetic diseases. Last evaluated: 2025-12-02. Review status: criteria provided, single submitter. Criteria: Ambry Variant Classification Scheme 2023. Collection method: clinical testing. Allele origin: germline.
Comment: The p.G200V variant (also known as c.599G>T), located in coding exon 8 of the ASXL1 gene, results from a G to T substitution at nucleotide position 599. The glycine at codon 200 is replaced by valine, an amino acid with dissimilar properties. This amino acid position is conserved. In addition, this alteration is predicted to be tolerated by in silico analysis. Based on the available evidence, the clinical significance of this variant remains unclear.